The following is an entry in ClinVar:

NM_003412.4(ZIC1):c.1142T>C (p.Met381Thr)

Gene: ZIC1 (Zic family member 1; plus strand). Cytogenetic location: 3q24.
Variant type: single nucleotide variant.
Coding change: c.1142T>C on transcript NM_003412.4 (MANE Select); coding-DNA position 1142, T replaced by C.
Protein change: p.Met381Thr; replaces methionine 381 with threonine.
Molecular consequence: missense variant.
Genome position (GRCh38, 1-based): chr3:147,412,677, T>C. VCF-style: chr3-147412677-T-C. GRCh37 (hg19) VCF-style: chr3-147130464-T-C.
Other names: short protein forms M381T.
Identifiers: ClinVar variation 1802021 (VCV001802021.1), dbSNP rs2473126030, ClinGen allele CA354898332.

ClinVar aggregate classification (germline): Uncertain significance (1 of 4 stars; one submission).

Submission:

GeneDx
Classification: Uncertain significance. Last evaluated: 2022-05-31. Review status: criteria provided, single submitter. Criteria: GeneDx Variant Classification Process June 2021. Collection method: clinical testing. Allele origin: germline. Affected: yes.
Comment: Has not been previously published as pathogenic or benign to our knowledge; Not observed at significant frequency in large population cohorts (gnomAD); In silico analysis supports that this missense variant has a deleterious effect on protein structure/function